The following is an entry in ClinVar:

ClinVar aggregate classification (germline): Uncertain significance (1 of 4 stars; one submission).

Allele frequency attached by ClinVar (database versions not stated): gnomAD exomes below 0.00001; TOPMed below 0.00001.
gnomAD v4.1: 3 of 1,614,104 alleles (0.00019%); highest among the groups gnomAD compares: Admixed American, 0.005%; no homozygotes.

Submission:

Labcorp Genetics (formerly Invitae), Labcorp
Classification: Uncertain significance. Last evaluated: 2022-07-12. Review status: criteria provided, single submitter. Criteria: Invitae Variant Classification Sherloc (09022015). Collection method: clinical testing. Allele origin: germline.
Comment: This variant is not present in population databases (gnomAD no frequency). This sequence change replaces valine, which is neutral and non-polar, with alanine, which is neutral and non-polar, at codon 453 of the CNGA1 protein (p.Val453Ala). This variant has not been reported in the literature in individuals affected with CNGA1-related conditions. In summary, the available evidence is currently insufficient to determine the role of this variant in disease. Therefore, it has been classified as a Variant of Uncertain Significance. Algorithms developed to predict the effect of missense changes on protein structure and function (SIFT, PolyPhen-2, Align-GVGD) all suggest that this variant is likely to be disruptive.

NM_001379270.1(CNGA1):c.1346T>C (p.Val449Ala)

Genes: CNGA1 (cyclic nucleotide gated channel subunit alpha 1; minus strand), LOC101927157 (uncharacterized LOC101927157; plus strand). Cytogenetic location: 4p12.
Variant type: single nucleotide variant.
Coding change: c.1346T>C on transcript NM_001379270.1 (MANE Select); coding-DNA position 1346, T replaced by C.
Protein change: p.Val449Ala; replaces valine 449 with alanine.
Molecular consequence: missense variant.
Genome position (GRCh38, 1-based): chr4:47,937,136, A>G on the plus strand (T>C on the coding strand, the complement: CNGA1 is on the minus strand). VCF-style: chr4-47937136-A-G. GRCh37 (hg19) VCF-style: chr4-47939153-A-G.
Other names: c.1346T>C, p.Val449Ala (NM_000087.5, NM_001142564.2); short protein forms V449A.
Identifiers: ClinVar variation 1061920 (VCV001061920.9), dbSNP rs1738708133, ClinGen allele CA356825970.